The following is an entry in ClinVar:

NM_004366.6(CLCN2):c.211C>T (p.Arg71Ter)

Gene: CLCN2 (chloride voltage-gated channel 2; minus strand). Cytogenetic location: 3q27.1.
Variant type: single nucleotide variant.
Coding change: c.211C>T on transcript NM_004366.6 (MANE Select); coding-DNA position 211, C replaced by T.
Protein change: p.Arg71Ter; replaces arginine 71 with a stop codon.
Molecular consequence: nonsense.
Genome position (GRCh38, 1-based): chr3:184,358,984, G>A on the plus strand (C>T on the coding strand, the complement: CLCN2 is on the minus strand). VCF-style: chr3-184358984-G-A. GRCh37 (hg19) VCF-style: chr3-184076772-G-A.
Other names: c.211C>T, p.Arg71Ter (NM_001171087.3, NM_001171088.3, NM_001171089.3); short protein forms R71*.
Identifiers: ClinVar variation 2573522 (VCV002573522.1), dbSNP rs1055985062, ClinGen allele CA88900084.

ClinVar aggregate classification (germline): Pathogenic (1 of 4 stars; one submission).

Conditions:
CLCN2-related disorder. Also called: CLCN2-related disorders; CLCN2-related condition.

Allele frequency attached by ClinVar (database versions not stated): gnomAD exomes below 0.00001; gnomAD 0.00001.

Submission:

Women's Health and Genetics/Laboratory Corporation of America, LabCorp
Classification: Pathogenic for CLCN2-Related Disorders. Last evaluated: 2023-06-22. Review status: criteria provided, single submitter. Criteria: LabCorp Variant Classification Summary - May 2015. Collection method: clinical testing. Allele origin: germline.
Comment: Variant summary: CLCN2 c.211C>T (p.Arg71X) results in a premature termination codon, predicted to cause a truncation of the encoded protein or absence of the protein due to nonsense mediated decay, which are commonly known mechanisms for disease. The variant allele was found at a frequency of 4e-06 in 250562 control chromosomes. To our knowledge, no occurrence of c.211C>T in individuals affected with CLCN2-Related Disorders and no experimental evidence demonstrating its impact on protein function have been reported. No submitters have cited clinical-significance assessments for this variant to ClinVar after 2014. Based on the evidence outlined above, the variant was classified as pathogenic.